The following is an entry in ClinVar:

NM_013352.4(DSE):c.1525A>G (p.Lys509Glu)

Gene: DSE (dermatan sulfate epimerase; plus strand). Cytogenetic location: 6q22.1.
Variant type: single nucleotide variant.
Coding change: c.1525A>G on transcript NM_013352.4 (MANE Select); coding-DNA position 1525, A replaced by G.
Protein change: p.Lys509Glu; replaces lysine 509 with glutamic acid.
Molecular consequence: missense variant. On other transcripts: 3 prime UTR variant (2), non-coding transcript variant (1).
Genome position (GRCh38, 1-based): chr6:116,435,993, A>G. VCF-style: chr6-116435993-A-G. GRCh37 (hg19) VCF-style: chr6-116757156-A-G.
Other names: c.1525A>G, p.Lys509Glu (NM_001080976.3, NM_001322937.2, NM_001322938.2); c.1582A>G, p.Lys528Glu (NM_001322939.2); c.964A>G, p.Lys322Glu (NM_001322940.2, NM_001322941.2); c.*390A>G (NM_001322943.2, NM_001322944.2); c.526A>G, p.Lys176Glu (NM_001374520.1); c.490A>G, p.Lys164Glu (NM_001374521.1); c.1525A>G (NM_013352.2); short protein forms K164E, K176E, K322E, K509E, K528E.
Identifiers: ClinVar variation 3768996 (VCV003768996.3).

ClinVar aggregate classification (germline): Uncertain significance. Review status: criteria provided, multiple submitters, no conflicts (2 of 4 stars). 2 submissions from 2 submitters: Uncertain significance (2). Last evaluated 2026-05-18.

Conditions:
Inborn genetic diseases. Identifiers: MedGen C0950123, MeSH D030342.

gnomAD v4.1: 3 of 1,614,176 alleles (0.00019%); highest among the groups gnomAD compares: Non-Finnish European, 0.00025%; no homozygotes.

Submissions (2):

Women's Health and Genetics/Laboratory Corporation of America, LabCorp
Classification: Uncertain significance. Last evaluated: 2026-05-18. Review status: criteria provided, single submitter. Criteria: LabCorp Variant Classification Summary - May 2015. Collection method: clinical testing. Allele origin: germline.
Comment: Variant summary: DSE c.1525A>G (p.Lys509Glu) results in a conservative amino acid change in the encoded protein sequence. Algorithms developed to predict the effect of missense changes on protein structure and function are either unavailable or do not agree on the potential impact of this missense change. The variant was absent in 251388 control chromosomes. The available data on variant occurrences in the general population are insufficient to allow any conclusion about variant significance. To our knowledge, no occurrence of c.1525A>G in individuals affected with DSE-related conditions and no experimental evidence demonstrating its impact on protein function have been reported. ClinVar contains an entry for this variant (Variation ID: 3768996). Based on the evidence outlined above, the variant was classified as uncertain significance.

Ambry Genetics
Classification: Uncertain significance for Inborn genetic diseases. Last evaluated: 2025-01-22. Review status: criteria provided, single submitter. Criteria: Ambry Variant Classification Scheme 2023. Collection method: clinical testing. Allele origin: germline.